The following is an entry in ClinVar:

ClinVar aggregate classification (germline): Uncertain significance. Review status: criteria provided, multiple submitters, no conflicts (2 of 4 stars). 3 submissions from 3 submitters: Uncertain significance (3). Last evaluated 2025-10-28.

Conditions:
Anemia, nonspherocytic hemolytic, due to G6PD deficiency (CNSHA1). Also called: Hemolytic anemia due to G6PD deficiency; Class I glucose-6-phosphate dehydrogenase deficiency; Favism, susceptibility to; ANEMIA, CONGENITAL, NONSPHEROCYTIC HEMOLYTIC, 1. Identifiers: Orphanet 466026, MedGen C2720289, MONDO:0010480, OMIM 300908.

Allele frequency attached by ClinVar (database versions not stated): ExAC 0.00001; gnomAD exomes 0.00001 and 0.00004; TOPMed 0.00004; gnomAD 0.00005.
gnomAD v4.1: 51 of 1,208,883 alleles (0.0042%); highest among the groups gnomAD compares: Non-Finnish European, 0.0054%; no homozygotes.

Submissions (3):

Mayo Clinic Laboratories, Mayo Clinic
Classification: Uncertain significance. Last evaluated: 2025-10-28. Review status: criteria provided, single submitter. Criteria: ACMG Guidelines, 2015. Collection method: clinical testing. Allele origin: germline. Observed: 1 variant allele.
Comment: PP3

Labcorp Genetics (formerly Invitae), Labcorp
Classification: Uncertain significance for Anemia, nonspherocytic hemolytic, due to G6PD deficiency. Last evaluated: 2025-09-15. Review status: criteria provided, single submitter. Criteria: Invitae Variant Classification Sherloc (09022015). Collection method: clinical testing. Allele origin: germline.
Comment: This sequence change replaces arginine, which is basic and polar, with threonine, which is neutral and polar, at codon 498 of the G6PD protein (p.Arg498Thr). This variant is present in population databases (rs782422580, gnomAD 0.001%). This variant has not been reported in the literature in individuals affected with G6PD-related conditions. ClinVar contains an entry for this variant (Variation ID: 1426499). Invitae Evidence Modeling of protein sequence and biophysical properties (such as structural, functional, and spatial information, amino acid conservation, physicochemical variation, residue mobility, and thermodynamic stability) indicates that this missense variant is expected to disrupt G6PD protein function with a positive predictive value of 80%. In summary, the available evidence is currently insufficient to determine the role of this variant in disease. Therefore, it has been classified as a Variant of Uncertain Significance.

Blueprint Genetics
Classification: Uncertain significance. Last evaluated: 2020-06-15. Review status: criteria provided, single submitter. Criteria: ACMG Guidelines, 2015. Collection method: clinical testing. Allele origin: germline.

Literature cited by the submitters: PubMed 36681081 (cited by Mayo Clinic Laboratories, Mayo Clinic).

NM_001360016.2(G6PD):c.1493G>C (p.Arg498Thr)

Gene: G6PD (glucose-6-phosphate dehydrogenase; minus strand). Cytogenetic location: Xq28.
Variant type: single nucleotide variant.
Coding change: c.1493G>C on transcript NM_001360016.2 (MANE Select); coding-DNA position 1493, G replaced by C.
Protein change: p.Arg498Thr; replaces arginine 498 with threonine.
Molecular consequence: missense variant.
Genome position (GRCh38, 1-based): chrX:154,532,055, C>G on the plus strand (G>C on the coding strand, the complement: G6PD is on the minus strand). VCF-style: chrX-154532055-C-G. GRCh37 (hg19) VCF-style: chrX-153760270-C-G.
Other names: p.Arg498Thr; c.1583G>C, p.Arg528Thr (NM_000402.4); c.1493G>C, p.Arg498Thr (NM_001042351.3); short protein forms R498T, R528T.
Identifiers: ClinVar variation 1426499 (VCV001426499.6), dbSNP rs782422580, ClinGen allele CA10565980.
Genomic context (GRCh38, chrX:154,532,055, plus strand): 5'-AGGGCTCAGAGCTTGTGGGGGTTCACCCACTTGTAGGTGCCCTCATACTGGAAACCCACT[C>G]TCTTCATCAGCTCGTCTGCCTCCGTGGGGCCTCGGCTGGAGAGTGACGGGTGGAGGAGAG-3'
Protein context (NP_001346945.1, residues 488-508): GPTEADELMK[Arg498Thr]VGFQYEGTYK